The following is an entry in ClinVar:

NM_014112.5(TRPS1):c.1651C>A (p.Pro551Thr)

Gene: TRPS1 (transcriptional repressor GATA binding 1; minus strand). Cytogenetic location: 8q23.3.
Variant type: single nucleotide variant.
Coding change: c.1651C>A on transcript NM_014112.5 (MANE Select); coding-DNA position 1651, C replaced by A.
Protein change: p.Pro551Thr; replaces proline 551 with threonine.
Molecular consequence: missense variant.
Genome position (GRCh38, 1-based): chr8:115,604,318, G>T on the plus strand (C>A on the coding strand, the complement: TRPS1 is on the minus strand). VCF-style: chr8-115604318-G-T. GRCh37 (hg19) VCF-style: chr8-116616545-G-T.
Other names: c.1624C>A, p.Pro542Thr (NM_001282902.3); c.1630C>A, p.Pro544Thr (NM_001282903.3); c.1612C>A, p.Pro538Thr (NM_001330599.2); short protein forms P538T, P542T, P544T, P551T.
Identifiers: ClinVar variation 3758499 (VCV003758499.2).

ClinVar aggregate classification (germline): Uncertain significance (1 of 4 stars; one submission).

Conditions:
Trichorhinophalangeal dysplasia type I (TRPS1). Also called: TRICHORHINOPHALANGEAL SYNDROME, TYPE I; TRPS I. Identifiers: Orphanet 77258, MedGen C0432233, MONDO:0008596, OMIM 190350.
Trichorhinophalangeal syndrome, type III (TRPS3). Also called: SUGIO-KAJII SYNDROME. Identifiers: Orphanet 77258, MedGen C1860823, OMIM 190351, MONDO:0008597.

Submission:

Labcorp Genetics (formerly Invitae), Labcorp
Classification: Uncertain significance for Trichorhinophalangeal syndrome, type III; Trichorhinophalangeal dysplasia type I. Last evaluated: 2024-12-31. Review status: criteria provided, single submitter. Criteria: Invitae Variant Classification Sherloc (09022015). Collection method: clinical testing. Allele origin: germline.
Comment: This sequence change replaces proline, which is neutral and non-polar, with threonine, which is neutral and polar, at codon 551 of the TRPS1 protein (p.Pro551Thr). This variant is not present in population databases (gnomAD no frequency). This variant has not been reported in the literature in individuals affected with TRPS1-related conditions. Invitae Evidence Modeling of protein sequence and biophysical properties (such as structural, functional, and spatial information, amino acid conservation, physicochemical variation, residue mobility, and thermodynamic stability) has been performed for this missense variant. However, the output from this modeling did not meet the statistical confidence thresholds required to predict the impact of this variant on TRPS1 protein function. In summary, the available evidence is currently insufficient to determine the role of this variant in disease. Therefore, it has been classified as a Variant of Uncertain Significance.